The following is an entry in ClinVar:

ClinVar aggregate classification (germline): Likely benign. Review status: criteria provided, single submitter (1 of 4 stars). 2 submissions from 2 submitters: Likely benign (1). 1 of the submissions does not count toward it. Last evaluated 2022-03-29.

Conditions:
FAT1-related disorder. Also called: FAT1-related condition.

Allele frequency attached by ClinVar (database versions not stated): ExAC 0.00001; TOPMed 0.00002; gnomAD 0.00003.
gnomAD v4.1: 14 of 1,613,852 alleles (0.00087%); highest among the groups gnomAD compares: Admixed American, 0.0033%; no homozygotes.

Submissions (2):

Labcorp Genetics (formerly Invitae), Labcorp
Classification: Likely benign. Last evaluated: 2022-03-29. Review status: criteria provided, single submitter. Criteria: Invitae Variant Classification Sherloc (09022015). Collection method: clinical testing. Allele origin: germline.

PreventionGenetics, part of Exact Sciences
Classification: Likely benign for FAT1-related condition. Last evaluated: 2019-08-06. Review status: no assertion criteria provided. Collection method: clinical testing. Allele origin: germline. Not counted in ClinVar's aggregate classification.
Comment: This variant is classified as likely benign based on ACMG/AMP sequence variant interpretation guidelines (Richards et al. 2015 PMID: 25741868, with internal and published modifications).

NM_005245.4(FAT1):c.5865C>T (p.Ser1955=)

Gene: FAT1 (FAT atypical cadherin 1; minus strand). Cytogenetic location: 4q35.2.
Variant type: single nucleotide variant.
Coding change: c.5865C>T on transcript NM_005245.4 (MANE Select); coding-DNA position 5865, C replaced by T.
Protein change: p.Ser1955=; no amino-acid change (serine 1955 retained).
Molecular consequence: synonymous variant.
Genome position (GRCh38, 1-based): chr4:186,620,721, G>A on the plus strand (C>T on the coding strand, the complement: FAT1 is on the minus strand). VCF-style: chr4-186620721-G-A. GRCh37 (hg19) VCF-style: chr4-187541875-G-A.
Other names: c.5865C>T (NM_005245.3).
Identifiers: ClinVar variation 2176486 (VCV002176486.5), dbSNP rs769348689, ClinGen allele CA3166365.